The following is an entry in ClinVar:

ClinVar aggregate classification (germline): Uncertain significance. Review status: criteria provided, multiple submitters, no conflicts (2 of 4 stars). 2 submissions from 2 submitters: Uncertain significance (2). Last evaluated 2026-07-06.

Conditions:
Gorlin syndrome. Also called: Basal cell nevus syndrome; Nevoid Basal Cell Carcinoma Syndrome. Identifiers: Orphanet 377, MedGen C0004779, MONDO:0007187.
Hereditary cancer-predisposing syndrome. Also called: Tumor predisposition; Hereditary neoplastic syndrome; Hereditary Cancer Syndrome; Neoplastic Syndromes, Hereditary. Identifiers: Orphanet 140162, MedGen C0027672, MeSH D009386, MONDO:0015356.

Submissions (2):

Ambry Genetics
Classification: Uncertain significance for Hereditary cancer-predisposing syndrome. Last evaluated: 2026-07-06. Review status: criteria provided, single submitter. Criteria: Ambry Variant Classification Scheme 2023. Collection method: clinical testing. Allele origin: germline.
Comment: The p.Q835E variant (also known as c.2503C>G), located in coding exon 16 of the PTCH1 gene, results from a C to G substitution at nucleotide position 2503. The glutamine at codon 835 is replaced by glutamic acid, an amino acid with highly similar properties. This amino acid position is conserved. In addition, the in silico prediction for this alteration is inconclusive. Based on the available evidence, the clinical significance of this variant remains unclear.

Labcorp Genetics (formerly Invitae), Labcorp
Classification: Uncertain significance for Gorlin syndrome. Last evaluated: 2025-10-23. Review status: criteria provided, single submitter. Criteria: Invitae Variant Classification Sherloc (09022015). Collection method: clinical testing. Allele origin: germline.
Comment: This sequence change replaces glutamine, which is neutral and polar, with glutamic acid, which is acidic and polar, at codon 901 of the PTCH1 protein (p.Gln901Glu). This variant is not present in population databases (gnomAD no frequency). This variant has not been reported in the literature in individuals affected with PTCH1-related conditions. ClinVar contains an entry for this variant (Variation ID: 3696101). Invitae Evidence Modeling of protein sequence and biophysical properties (such as structural, functional, and spatial information, amino acid conservation, physicochemical variation, residue mobility, and thermodynamic stability) has been performed for this missense variant. However, the output from this modeling did not meet the statistical confidence thresholds required to predict the impact of this variant on PTCH1 protein function. In summary, the available evidence is currently insufficient to determine the role of this variant in disease. Therefore, it has been classified as a Variant of Uncertain Significance.

NM_000264.5(PTCH1):c.2701C>G (p.Gln901Glu)

Gene: PTCH1 (patched 1; minus strand). Cytogenetic location: 9q22.32.
Variant type: single nucleotide variant.
Coding change: c.2701C>G on transcript NM_000264.5 (MANE Select); coding-DNA position 2701, C replaced by G.
Protein change: p.Gln901Glu; replaces glutamine 901 with glutamic acid.
Molecular consequence: missense variant. On other transcripts: non-coding transcript variant (1).
Genome position (GRCh38, 1-based): chr9:95,461,858, G>C on the plus strand (C>G on the coding strand, the complement: PTCH1 is on the minus strand). VCF-style: chr9-95461858-G-C. GRCh37 (hg19) VCF-style: chr9-98224140-G-C.
Other names: c.2503C>G, p.Gln835Glu (NM_001083602.3); c.2698C>G, p.Gln900Glu (NM_001083603.3); c.2248C>G, p.Gln750Glu (NM_001083604.3, NM_001083605.3, NM_001083606.3 and 1 more transcripts); c.2545C>G, p.Gln849Glu (NM_001354918.2); short protein forms Q849E, Q750E, Q835E, Q901E, Q900E.
Identifiers: ClinVar variation 3696101 (VCV003696101.3).
Genomic context (GRCh38, chr9:95,461,858, plus strand): 5'-ACCAGGGCAGCGGCCCCGCAGCCCTGGAAGCGCCCTCAGTGCCCAGCAGCTGGAGTACCT[G>C]GCTGATGTCGATGGGCTTATCGCGGCTGCCGGTTTGCACCAGGAGTTTGTAGGCAAGGAC-3'
Protein context (NP_000255.2, residues 891-911): GSRDKPIDIS[Gln901Glu]LTKQRLVDAD